The following is an entry in ClinVar:

ClinVar aggregate classification (germline): Uncertain significance (1 of 4 stars; one submission).

Conditions:
Combined immunodeficiency due to STIM1 deficiency. Also called: STIM1 DEFICIENCY; IMMUNODEFICIENCY 10. Identifiers: Orphanet 169090, Orphanet 317430, MedGen C2748557, MONDO:0013008, OMIM 612783.
Myopathy with tubular aggregates (TAM). Also called: Tubular Aggregate Myopathy. Identifiers: Orphanet 2593, MedGen C0410207, MONDO:0008051.
Stormorken syndrome (STRMK). Also called: THROMBOCYTOPATHY, ASPLENIA, AND MIOSIS. Identifiers: Orphanet 3204, MedGen C1861451, MONDO:0008497, OMIM 185070.

Submission:

Labcorp Genetics (formerly Invitae), Labcorp
Classification: Uncertain significance for Myopathy with tubular aggregates; Combined immunodeficiency due to STIM1 deficiency; Stormorken syndrome. Last evaluated: 2022-07-19. Review status: criteria provided, single submitter. Criteria: Invitae Variant Classification Sherloc (09022015). Collection method: clinical testing. Allele origin: germline.
Comment: This variant has not been reported in the literature in individuals affected with STIM1-related conditions. ClinVar contains an entry for this variant (Variation ID: 656457). The frequency data for this variant in the population databases is considered unreliable, as metrics indicate poor data quality at this position in the gnomAD database. Variants that disrupt the consensus splice site are a relatively common cause of aberrant splicing (PMID: 17576681, 9536098). Algorithms developed to predict the effect of sequence changes on RNA splicing suggest that this variant is not likely to affect RNA splicing. In summary, the available evidence is currently insufficient to determine the role of this variant in disease. Therefore, it has been classified as a Variant of Uncertain Significance. This sequence change falls in intron 6 of the STIM1 gene. It does not directly change the encoded amino acid sequence of the STIM1 protein. It affects a nucleotide within the consensus splice site.

Literature cited by the submitters: PubMed 17576681; PubMed 9536098.

NM_001382567.1(STIM1):c.792-3del

Gene: STIM1 (stromal interaction molecule 1; plus strand). Cytogenetic location: 11p15.4.
Variant type: Deletion.
Coding change: c.792-3del on transcript NM_001382567.1 (MANE Select); 3 bases into the intron before coding-DNA position 792, one base deleted (C; older notation c.792-3delC).
Molecular consequence: intron variant.
Genome position (GRCh38, 1-based): chr11:4,074,499, C deleted; the last of 7 consecutive C bases (chr11:4,074,493-4,074,499); deleting any one gives the same sequence. VCF-style (leftmost placement, unchanged base first): chr11-4074492-GC-G. GRCh37 (hg19) VCF-style: chr11-4095722-GC-G.
Other names: c.792-3delC (NM_003156.3); c.570-3del (NM_001382578.1, NM_001382575.1, NM_001382576.1 and 5 more transcripts); c.303-3del (NM_001382580.1, NM_001382581.1); c.792-3del (NM_001382568.1, NM_001277962.2, NM_003156.4 and 2 more transcripts); c.564-3del (NM_001382570.1); c.657-3del (NM_001382569.1); c.312-3del (NM_001382571.1).
Identifiers: ClinVar variation 656457 (VCV000656457.10), dbSNP rs764247879, ClinGen allele CA472549112.